The following is an entry in ClinVar:

ClinVar aggregate classification (germline): Uncertain significance (1 of 4 stars; one submission).

Submission:

Labcorp Genetics (formerly Invitae), Labcorp
Classification: Uncertain significance. Last evaluated: 2022-02-20. Review status: criteria provided, single submitter. Criteria: Invitae Variant Classification Sherloc (09022015). Collection method: clinical testing. Allele origin: germline.
Comment: In summary, the available evidence is currently insufficient to determine the role of this variant in disease. Therefore, it has been classified as a Variant of Uncertain Significance. Algorithms developed to predict the effect of missense changes on protein structure and function are either unavailable or do not agree on the potential impact of this missense change (SIFT: "Deleterious"; PolyPhen-2: "Probably Damaging"; Align-GVGD: "Class C0"). This variant has not been reported in the literature in individuals affected with STAT4-related conditions. This variant is not present in population databases (gnomAD no frequency). This sequence change replaces leucine, which is neutral and non-polar, with proline, which is neutral and non-polar, at codon 279 of the STAT4 protein (p.Leu279Pro).

NM_003151.4(STAT4):c.836T>C (p.Leu279Pro)

Gene: STAT4 (signal transducer and activator of transcription 4; minus strand). Cytogenetic location: 2q32.2.
Variant type: single nucleotide variant.
Coding change: c.836T>C on transcript NM_003151.4 (MANE Select); coding-DNA position 836, T replaced by C.
Protein change: p.Leu279Pro; replaces leucine 279 with proline.
Molecular consequence: missense variant.
Genome position (GRCh38, 1-based): chr2:191,062,867, A>G on the plus strand (T>C on the coding strand, the complement: STAT4 is on the minus strand). VCF-style: chr2-191062867-A-G. GRCh37 (hg19) VCF-style: chr2-191927593-A-G.
Other names: c.836T>C, p.Leu279Pro (NM_001243835.2); short protein forms L279P.
Identifiers: ClinVar variation 2099898 (VCV002099898.4), dbSNP rs2470768000, ClinGen allele CA349915964.
Genomic context (GRCh38, chr2:191,062,867, plus strand): 5'-TGAGTTCTTTGCATTGGAATGGGATCACCTTCATATGTCATTTTGGTAGATTGCTCCTCT[A>G]GTTTCTCCAATTGCCTTCTCAGTTGGAAAAGACTTTCTGCCAATAGTGTAAAGCTATTGA-3'
Protein context (NP_003142.1, residues 269-289): LFQLRRQLEK[Leu279Pro]EEQSTKMTYE